The following is an entry in ClinVar:

NM_004082.5(DCTN1):c.3140G>T (p.Gly1047Val)

Gene: DCTN1 (dynactin subunit 1; minus strand). Cytogenetic location: 2p13.1.
Variant type: single nucleotide variant.
Coding change: c.3140G>T on transcript NM_004082.5 (MANE Select); coding-DNA position 3140, G replaced by T.
Protein change: p.Gly1047Val; replaces glycine 1047 with valine.
Molecular consequence: missense variant. On other transcripts: non-coding transcript variant (1).
Genome position (GRCh38, 1-based): chr2:74,365,131, C>A on the plus strand (G>T on the coding strand, the complement: DCTN1 is on the minus strand). VCF-style: chr2-74365131-C-A. GRCh37 (hg19) VCF-style: chr2-74592258-C-A.
Other names: c.3080G>T, p.Gly1027Val (NM_001135040.3); c.2738G>T, p.Gly913Val (NM_001135041.3, NM_023019.4); c.3029G>T, p.Gly1010Val (NM_001190836.2); c.3119G>T, p.Gly1040Val (NM_001190837.2); c.3089G>T, p.Gly1030Val (NM_001378991.1); c.3071G>T, p.Gly1024Val (NM_001378992.1); short protein forms G1010V, G1024V, G1027V, G1030V, G1040V, G1047V, G913V.
Identifiers: ClinVar variation 3364963 (VCV003364963.1).

ClinVar aggregate classification (germline): Uncertain significance (1 of 4 stars; one submission).

Submission:

GeneDx
Classification: Uncertain significance. Last evaluated: 2023-11-28. Review status: criteria provided, single submitter. Criteria: GeneDx Variant Classification Process June 2021. Collection method: clinical testing. Allele origin: germline. Affected: yes.
Comment: Not observed at significant frequency in large population cohorts (gnomAD); In silico analysis supports that this missense variant has a deleterious effect on splicing; In silico analysis supports that this missense variant does not alter protein structure/function; Has not been previously published as pathogenic or benign to our knowledge